The following is an entry in ClinVar:

NM_000245.4(MET):c.2528C>T (p.Pro843Leu)

Gene: MET (MET proto-oncogene, receptor tyrosine kinase; plus strand). Cytogenetic location: 7q31.2.
Variant type: single nucleotide variant.
Coding change: c.2528C>T on transcript NM_000245.4 (MANE Select); coding-DNA position 2528, C replaced by T.
Protein change: p.Pro843Leu; replaces proline 843 with leucine.
Molecular consequence: missense variant.
Genome position (GRCh38, 1-based): chr7:116,763,213, C>T. VCF-style: chr7-116763213-C-T. GRCh37 (hg19) VCF-style: chr7-116403267-C-T.
Other names: c.2582C>T, p.Pro861Leu (NM_001127500.3); c.2528C>T, p.Pro843Leu (NM_001324401.3); c.1238C>T, p.Pro413Leu (NM_001324402.2); short protein forms P861L, P413L, P843L.
Identifiers: ClinVar variation 411904 (VCV000411904.15), dbSNP rs762228405, ClinGen allele CA16612076.

ClinVar aggregate classification (germline): Uncertain significance. Review status: criteria provided, multiple submitters, no conflicts (2 of 4 stars). 3 submissions from 3 submitters: Uncertain significance (3). Last evaluated 2026-01-14.

Conditions:
Autosomal recessive nonsyndromic hearing loss 97. Also called: Deafness, autosomal recessive 97. Identifiers: Orphanet 90636, MedGen C4084709, MONDO:0014739, OMIM 616705.
Renal cell carcinoma. Identifiers: Orphanet 217071, MedGen C0007134, MeSH D002292, MONDO:0005086, HP:0005584.
Hereditary cancer-predisposing syndrome. Also called: Tumor predisposition; Hereditary Cancer Syndrome; Hereditary neoplastic syndrome; Neoplastic Syndromes, Hereditary. Identifiers: Orphanet 140162, MedGen C0027672, MeSH D009386, MONDO:0015356.

Submissions (3):

Labcorp Genetics (formerly Invitae), Labcorp
Classification: Uncertain significance for Renal cell carcinoma. Last evaluated: 2026-01-14. Review status: criteria provided, single submitter. Criteria: Invitae Variant Classification Sherloc (09022015). Collection method: clinical testing. Allele origin: germline.
Comment: This sequence change replaces proline, which is neutral and non-polar, with leucine, which is neutral and non-polar, at codon 861 of the MET protein (p.Pro861Leu). This variant is not present in population databases (gnomAD no frequency). This variant has not been reported in the literature in individuals affected with MET-related conditions. ClinVar contains an entry for this variant (Variation ID: 411904). Invitae Evidence Modeling of protein sequence and biophysical properties (such as structural, functional, and spatial information, amino acid conservation, physicochemical variation, residue mobility, and thermodynamic stability) indicates that this missense variant is not expected to disrupt MET protein function with a negative predictive value of 80%. In summary, the available evidence is currently insufficient to determine the role of this variant in disease. Therefore, it has been classified as a Variant of Uncertain Significance.

Ambry Genetics
Classification: Uncertain significance for Hereditary cancer-predisposing syndrome. Last evaluated: 2025-11-13. Review status: criteria provided, single submitter. Criteria: Ambry Variant Classification Scheme 2023. Collection method: clinical testing. Allele origin: germline.

Baylor Genetics
Classification: Uncertain significance for Autosomal recessive nonsyndromic hearing loss 97. Last evaluated: 2023-10-18. Review status: criteria provided, single submitter. Criteria: ACMG Guidelines, 2015. Collection method: clinical testing. Allele origin: unknown.